The following is an entry in ClinVar:

ClinVar aggregate classification (germline): Conflicting classifications of pathogenicity. Review status: criteria provided, conflicting classifications (1 of 4 stars). 2 submissions from 2 submitters: Uncertain significance (1); Likely benign (1). Last evaluated 2025-04-15.

Conditions:
Inborn genetic diseases. Identifiers: MedGen C0950123, MeSH D030342.

gnomAD v4.1: 42 of 1,612,150 alleles (0.0026%); highest among the groups gnomAD compares: Admixed American, 0.005%; no homozygotes.

Submissions (2):

Ambry Genetics
Classification: Likely benign for Inborn genetic diseases. Last evaluated: 2025-04-15. Review status: criteria provided, single submitter. Criteria: Ambry Variant Classification Scheme 2023. Collection method: clinical testing. Allele origin: germline.

Mayo Clinic Laboratories, Mayo Clinic
Classification: Uncertain significance. Last evaluated: 2023-07-07. Review status: criteria provided, single submitter. Criteria: ACMG Guidelines, 2015. Collection method: clinical testing. Allele origin: germline. Observed: 1 variant allele.
Comment: BP4, PM2_moderate

NM_000293.3(PHKB):c.23C>T (p.Thr8Met)

Genes: PHKB (phosphorylase kinase regulatory subunit beta; plus strand), LOC130058947 (ATAC-STARR-seq lymphoblastoid silent region 7451; plus strand). Cytogenetic location: 16q12.1.
Variant type: single nucleotide variant.
Coding change: c.23C>T on transcript NM_000293.3 (MANE Select); coding-DNA position 23, C replaced by T.
Protein change: p.Thr8Met; replaces threonine 8 with methionine.
Molecular consequence: missense variant. On other transcripts: 5 prime UTR variant (1).
Genome position (GRCh38, 1-based): chr16:47,461,373, C>T. VCF-style: chr16-47461373-C-T. GRCh37 (hg19) VCF-style: chr16-47495284-C-T.
Other names: p.Thr8Met; c.-111C>T (NM_001031835.3); c.23C>T, p.Thr8Met (NM_001363837.1); c.23C>T (NM_000293.2); short protein forms T8M.
Identifiers: ClinVar variation 3380388 (VCV003380388.2).